The following is an entry in ClinVar:

ClinVar aggregate classification (germline): Uncertain significance (1 of 4 stars; one submission).

Conditions:
RASopathy. Also called: rasopathies; Noonan spectrum disorder. Identifiers: Orphanet 536391, MedGen C5555857, MONDO:0021060.

Submission:

Labcorp Genetics (formerly Invitae), Labcorp
Classification: Uncertain significance for RASopathy. Last evaluated: 2023-07-03. Review status: criteria provided, single submitter. Criteria: Invitae Variant Classification Sherloc (09022015). Collection method: clinical testing. Allele origin: germline.
Comment: This variant is not present in population databases (gnomAD no frequency). This variant, c.2252_2254del, results in the deletion of 1 amino acid(s) of the SOS1 protein (p.Asn751del), but otherwise preserves the integrity of the reading frame. This variant has not been reported in the literature in individuals affected with SOS1-related conditions. In summary, the available evidence is currently insufficient to determine the role of this variant in disease. Therefore, it has been classified as a Variant of Uncertain Significance.

NM_005633.4(SOS1):c.2249ATA[1] (p.Asn751del)

Gene: SOS1 (SOS Ras/Rac guanine nucleotide exchange factor 1; minus strand). Cytogenetic location: 2p22.1.
Variant type: Microsatellite.
Coding change: c.2249ATA[1] on transcript NM_005633.4 (MANE Select); one copy of the 3-base unit ATA starting at c.2249; the reference has two copies in a row; one copy, 3 bases deleted.
Protein change: p.Asn751del; deletes asparagine 751.
Molecular consequence: inframe deletion.
Genome position (GRCh38, 1-based): chr2:39,012,262-39,012,264, TAT deleted on the plus strand (ATA on the coding strand, the reverse complement: SOS1 is on the minus strand); deleting any 3 consecutive bases within chr2:39,012,262-39,012,267 gives the same sequence; the position shown is the placement nearest the transcript's 3' end. VCF-style (leftmost placement, unchanged base first): chr2-39012261-ATAT-A. GRCh37 (hg19) VCF-style: chr2-39239402-ATAT-A.
Other names: c.2228ATA[1], p.Asn744del (NM_001382394.1); c.2249ATA[1], p.Asn751del (NM_001382395.1); short protein forms N744del, N751del.
Identifiers: ClinVar variation 2919131 (VCV002919131.3), dbSNP rs2528992695, ClinGen allele CA2658714629.